The following is an entry in ClinVar:

ClinVar aggregate classification (germline): Uncertain significance (1 of 4 stars; one submission).

Allele frequency attached by ClinVar (database versions not stated): gnomAD 0.00002; TOPMed 0.00002; 1000 Genomes Project 30x 0.00016; 1000 Genomes Project 0.00020.
gnomAD v4.1: 34 of 1,463,748 alleles (0.0023%); highest among the groups gnomAD compares: African/African-American, 0.003%; no homozygotes.

Submission:

Labcorp Genetics (formerly Invitae), Labcorp
Classification: Uncertain significance. Last evaluated: 2022-01-27. Review status: criteria provided, single submitter. Criteria: Invitae Variant Classification Sherloc (09022015). Collection method: clinical testing. Allele origin: germline.
Comment: This sequence change replaces alanine, which is neutral and non-polar, with valine, which is neutral and non-polar, at codon 143 of the BLOC1S3 protein (p.Ala143Val). This variant is present in population databases (rs557005035, gnomAD 0.004%). This variant has not been reported in the literature in individuals affected with BLOC1S3-related conditions. Algorithms developed to predict the effect of missense changes on protein structure and function are either unavailable or do not agree on the potential impact of this missense change (SIFT: "Deleterious"; PolyPhen-2: "Possibly Damaging"; Align-GVGD: "Class C0"). Algorithms developed to predict the effect of sequence changes on RNA splicing suggest that this variant may create or strengthen a splice site. In summary, the available evidence is currently insufficient to determine the role of this variant in disease. Therefore, it has been classified as a Variant of Uncertain Significance.

NM_212550.5(BLOC1S3):c.428C>T (p.Ala143Val)

Gene: BLOC1S3 (biogenesis of lysosomal organelles complex 1 subunit 3; plus strand). Cytogenetic location: 19q13.32.
Variant type: single nucleotide variant.
Coding change: c.428C>T on transcript NM_212550.5 (MANE Select); coding-DNA position 428, C replaced by T.
Protein change: p.Ala143Val; replaces alanine 143 with valine.
Molecular consequence: missense variant.
Genome position (GRCh38, 1-based): chr19:45,179,724, C>T. VCF-style: chr19-45179724-C-T. GRCh37 (hg19) VCF-style: chr19-45682982-C-T.
Other names: short protein forms A143V.
Identifiers: ClinVar variation 2169955 (VCV002169955.1), dbSNP rs557005035, ClinGen allele CA9510251.